The following is an entry in ClinVar:

NM_000277.3(PAH):c.922C>G (p.Leu308Val)

Gene: PAH (phenylalanine hydroxylase; minus strand). Cytogenetic location: 12q23.2.
Variant type: single nucleotide variant.
Coding change: c.922C>G on transcript NM_000277.3 (MANE Select); coding-DNA position 922, C replaced by G.
Protein change: p.Leu308Val; replaces leucine 308 with valine.
Molecular consequence: missense variant.
Genome position (GRCh38, 1-based): chr12:102,846,942, G>C on the plus strand (C>G on the coding strand, the complement: PAH is on the minus strand). VCF-style: chr12-102846942-G-C. GRCh37 (hg19) VCF-style: chr12-103240720-G-C.
Other names: NM_000277.1(PAH):c.922C>G; p.Leu308Val; c.922C>G, p.Leu308Val (NM_001354304.2); short protein forms L308V.
Identifiers: ClinVar variation 102895 (VCV000102895.2), dbSNP rs62642095, ClinGen allele CA229849.

ClinVar aggregate classification (germline): Likely pathogenic. Review status: reviewed by expert panel (3 of 4 stars). 2 submissions from 2 submitters: Likely pathogenic (1). 1 of the submissions does not count toward it. Last evaluated 2024-09-06.

Conditions:
Phenylketonuria (PKU). Also called: Phenylketonuria (PKU); FOLLING DISEASE; OLIGOPHRENIA PHENYLPYRUVICA; Phenylketonurias. Identifiers: Orphanet 716, MedGen C0031485, MONDO:0009861, OMIM 261600. Disease mechanism: loss of function.

Submissions (2):

ClinGen PAH Variant Curation Expert Panel
Classification: Likely pathogenic for Phenylketonuria. Last evaluated: 2024-09-06. Review status: reviewed by expert panel. Criteria: ClinGen PAH ACMG Specifications v1. Collection method: curation. Allele origin: germline. Inheritance: Autosomal recessive inheritance.
Comment: The NM_000277.1(PAH):c.922C>G (p.Leu308Val) variant is a missense variant in exon 9/13 of PAH. The variant has been found to reduce PAH enzymatic activity to 15-19% versus wild type PAH enzyme in transfected COS cells (PMID: 18590700). The variant has been previously reported in confirmed trans with the c.1315+1G>A variant (Pathogenic per ClinGen PAH VCEP) in a patient with mild PKU (plasma Phe 600-900 umol/L); BH4 deficiency does not appear to have been excluded (PMID: 26542770). The variant is absent from ethnically diverse control databases, including gnomAD/ExAC, 1000 Genomes, and ESP. The variant is predicted damaging by multiple in-silico missense predictors, including REVEL (REVEL score 0.892). Classification: Likely Pathogenic Supporting Criteria: PS3_supporting; PM2_supporting; PM3; PP4; PP3_moderate

DeBelle Laboratory for Biochemical Genetics, MUHC/MCH RESEARCH INSTITUTE
No classification provided. Review status: no classification provided. Collection method: not provided. Allele origin: not provided. Not counted in ClinVar's aggregate classification.

Literature cited by the submitters: PubMed 26542770 (cited by ClinGen PAH Variant Curation Expert Panel); PubMed 18590700 (cited by ClinGen PAH Variant Curation Expert Panel).